The following is an entry in ClinVar:

NM_001368882.1(COL13A1):c.1026+8T>A

Gene: COL13A1 (collagen type XIII alpha 1 chain; plus strand). Cytogenetic location: 10q22.1.
Variant type: single nucleotide variant.
Coding change: c.1026+8T>A on transcript NM_001368882.1 (MANE Select); 8 bases into the intron after coding-DNA position 1026, T replaced by A.
Molecular consequence: intron variant.
Genome position (GRCh38, 1-based): chr10:69,919,096, T>A. VCF-style: chr10-69919096-T-A. GRCh37 (hg19) VCF-style: chr10-71678852-T-A.
Other names: c.1026+8T>A (NM_001320951.2, NM_001368884.1); c.1056+8T>A (NM_001130103.2, NM_001130103.1); c.990+8T>A (NM_080801.4, NM_080802.4, NM_001368883.1 and 1 more transcripts); c.999+8T>A (NM_080800.4); c.426+8T>A (NM_001368886.1); c.903+8T>A (NM_080805.4); c.912+8T>A (NM_001368897.1); c.936+8T>A (NM_001368895.1); and 1 more.
Identifiers: ClinVar variation 2059354 (VCV002059354.6), dbSNP rs373882459, ClinGen allele CA5534579.

ClinVar aggregate classification (germline): Likely benign. Review status: criteria provided, single submitter (1 of 4 stars). 2 submissions from 2 submitters: Likely benign (1). 1 of the submissions does not count toward it. Last evaluated 2025-12-01.

Conditions:
COL13A1-related disorder. Also called: COL13A1-related condition.

Allele frequency attached by ClinVar (database versions not stated): ExAC 0.00005; TOPMed 0.00005; gnomAD 0.00006; ESP Exome Variant Server 0.00008.
gnomAD v4.1: 152 of 1,613,894 alleles (0.0094%); highest among the groups gnomAD compares: Non-Finnish European, 0.012%; no homozygotes.

Submissions (2):

Labcorp Genetics (formerly Invitae), Labcorp
Classification: Likely benign. Last evaluated: 2025-12-01. Review status: criteria provided, single submitter. Criteria: Invitae Variant Classification Sherloc (09022015). Collection method: clinical testing. Allele origin: germline.

PreventionGenetics, part of Exact Sciences
Classification: Likely benign for COL13A1-related condition. Last evaluated: 2022-11-03. Review status: no assertion criteria provided. Collection method: clinical testing. Allele origin: germline. Not counted in ClinVar's aggregate classification.
Comment: This variant is classified as likely benign based on ACMG/AMP sequence variant interpretation guidelines (Richards et al. 2015 PMID: 25741868, with internal and published modifications).